The following is an entry in ClinVar:

ClinVar aggregate classification (germline): Likely pathogenic (1 of 4 stars; one submission).

Conditions:
Nephrotic syndrome, type 20. Identifiers: MedGen C5193011, MONDO:0026726, OMIM 301028.

Submission:

Division of Nephrology, Beijing Anzhen Hospital, Capital Medical University, Beijing, China
Classification: Likely pathogenic for Nephrotic syndrome, type 20. Last evaluated: 2024-08-31. Review status: criteria provided, single submitter. Criteria: ACMG Guidelines, 2015. Collection method: clinical testing. Allele origin: germline. Affected: yes.
Comment: A mutation in the TBC1D8B gene has been identified in multiple families, all of whom have nephrotic syndrome, with kidney pathology showing FSGS (Kampf 2019, Fang 2023, Hou 2021). This variant has not been observed in large population studies. In vitro functional studies demonstrate that the protein encoded by this gene plays a critical role in regulating specific Rab GTPases, including Rab11b, which is responsible for vesicle transport. It helps regulate renin, a key protein for maintaining the glomerular filtration barrier (Kampf 2019, Dorval 2019, Milosavljevic 2022). In summary, a frameshift pathogenic variant, c.2089delA (p.Asp698Metfs6), in the TBC1D8B gene meets ACMG Guidelines to be classified as likely pathogenic (PMID:25741868) based on segregation studies, absence from control populations, and functional evidence.

Literature cited by the submitters: PubMed 36137753; PubMed 30661770; PubMed 31732614; PubMed 35970429; PubMed 34858901.

NM_017752.3(TBC1D8B):c.2091del (p.Asp698fs)

Gene: TBC1D8B (TBC1 domain family member 8B; plus strand). Cytogenetic location: Xq22.3.
Variant type: Deletion.
Coding change: c.2091del on transcript NM_017752.3 (MANE Select); coding-DNA position 2091, one base deleted (A; older notation c.2091delA).
Protein change: p.Asp698fs; shifts the reading frame from aspartic acid 698.
Molecular consequence: frameshift variant.
Genome position (GRCh38, 1-based): chrX:106,850,278, A deleted; the last of 3 consecutive A bases (chrX:106,850,276-106,850,278); deleting any one gives the same sequence. VCF-style (leftmost placement, unchanged base first): chrX-106850275-TA-T. GRCh37 (hg19) VCF-style: chrX-106093505-TA-T.
Other names: c.2089delA (NM_017752.3); short protein forms D698fs.
Identifiers: ClinVar variation 3338671 (VCV003338671.2).